The following is an entry in ClinVar:

ClinVar aggregate classification (germline): Uncertain significance (1 of 4 stars; one submission).

Conditions:
Myofibrillar myopathy 4. Also called: Zaspopathy (type). Identifiers: Orphanet 98912, MedGen C4721886, MONDO:0012277, OMIM 609452.

Allele frequency attached by ClinVar (database versions not stated): TOPMed 0.00001.
gnomAD v4.1: 4 of 1,614,044 alleles (0.00025%); highest among the groups gnomAD compares: Non-Finnish European, 0.00034%; no homozygotes.

Submission:

Labcorp Genetics (formerly Invitae), Labcorp
Classification: Uncertain significance for Myofibrillar myopathy 4. Last evaluated: 2024-11-20. Review status: criteria provided, single submitter. Criteria: Invitae Variant Classification Sherloc (09022015). Collection method: clinical testing. Allele origin: germline.
Comment: The LDB3 gene has multiple clinically relevant transcripts. This variant occurs in alternate transcript NM_007078.3, and corresponds to NM_001080116.1:c.*19399T>A in the primary transcript. This sequence change replaces valine, which is neutral and non-polar, with aspartic acid, which is acidic and polar, at codon 635 of the LDB3 protein (p.Val635Asp). This variant is not present in population databases (gnomAD no frequency). This variant has not been reported in the literature in individuals affected with LDB3-related conditions. Experimental studies and prediction algorithms are not available or were not evaluated, and the functional significance of this variant is currently unknown. In summary, the available evidence is currently insufficient to determine the role of this variant in disease. Therefore, it has been classified as a Variant of Uncertain Significance.

NM_007078.3(LDB3):c.1904T>A (p.Val635Asp)

Gene: LDB3 (LIM domain binding 3; plus strand). Cytogenetic location: 10q23.2.
Variant type: single nucleotide variant.
Coding change: c.1904T>A on transcript NM_007078.3 (MANE Select); coding-DNA position 1904, T replaced by A.
Protein change: p.Val635Asp; replaces valine 635 with aspartic acid.
Molecular consequence: missense variant.
Genome position (GRCh38, 1-based): chr10:86,718,773, T>A. VCF-style: chr10-86718773-T-A. GRCh37 (hg19) VCF-style: chr10-88478530-T-A.
Other names: c.1574T>A, p.Val525Asp (NM_001080114.2); c.1919T>A, p.Val640Asp (NM_001171610.2); c.1715T>A, p.Val572Asp (NM_001368064.1, NM_001368065.1); c.1763T>A, p.Val588Asp (NM_001368066.1); short protein forms V525D, V572D, V588D, V635D, V640D.
Identifiers: ClinVar variation 1047110 (VCV001047110.7), dbSNP rs567014755, ClinGen allele CA377453839.